The following is an entry in ClinVar:

NM_001378454.1(ALMS1):c.1201del (p.Glu401fs)

Gene: ALMS1 (ALMS1 centrosome and basal body associated protein; plus strand). Cytogenetic location: 2p13.1.
Variant type: Deletion.
Coding change: c.1201del on transcript NM_001378454.1 (MANE Select); coding-DNA position 1201, one base deleted (G; older notation c.1201delG).
Protein change: p.Glu401fs; shifts the reading frame from glutamic acid 401.
Molecular consequence: frameshift variant.
Genome position (GRCh38, 1-based): chr2:73,424,866, G deleted; the last of 2 consecutive G bases (chr2:73,424,865-73,424,866); deleting either gives the same sequence. VCF-style (leftmost placement, unchanged base first): chr2-73424864-AG-A. GRCh37 (hg19) VCF-style: chr2-73651992-AG-A.
Other names: c.1204del, p.Glu402fs (NM_015120.4); short protein forms E401fs, E402fs.
Identifiers: ClinVar variation 2127483 (VCV002127483.4), dbSNP rs1671350045, ClinGen allele CA2580067891.

ClinVar aggregate classification (germline): Pathogenic (1 of 4 stars; one submission).

Conditions:
Alstrom syndrome (ALMS). Identifiers: Orphanet 64, MedGen C0268425, MONDO:0008763, OMIM 203800.

Submission:

Labcorp Genetics (formerly Invitae), Labcorp
Classification: Pathogenic for Alstrom syndrome. Last evaluated: 2022-09-29. Review status: criteria provided, single submitter. Criteria: Invitae Variant Classification Sherloc (09022015). Collection method: clinical testing. Allele origin: germline.
Comment: This sequence change creates a premature translational stop signal (p.Glu402Lysfs*11) in the ALMS1 gene. It is expected to result in an absent or disrupted protein product. Loss-of-function variants in ALMS1 are known to be pathogenic (PMID: 17594715). This variant is not present in population databases (gnomAD no frequency). For these reasons, this variant has been classified as Pathogenic. This variant has not been reported in the literature in individuals affected with ALMS1-related conditions.

Literature cited by the submitters: PubMed 17594715.